The following is an entry in ClinVar:

NM_001282112.2(TOP3B):c.1338C>T (p.Thr446=)

Gene: TOP3B (DNA topoisomerase III beta; minus strand). Cytogenetic location: 22q11.22.
Variant type: single nucleotide variant.
Coding change: c.1338C>T on transcript NM_001282112.2 (MANE Select); coding-DNA position 1338, C replaced by T.
Protein change: p.Thr446=; no amino-acid change (threonine 446 retained).
Molecular consequence: synonymous variant. On other transcripts: non-coding transcript variant (1).
Genome position (GRCh38, 1-based): chr22:21,962,760, G>A on the plus strand (C>T on the coding strand, the complement: TOP3B is on the minus strand). VCF-style: chr22-21962760-G-A. GRCh37 (hg19) VCF-style: chr22-22317132-G-A.
Other names: c.1338C>T, p.Thr446= (NM_001282113.2, NM_001349845.2, NM_001349847.2 and 1 more transcripts); c.930C>T, p.Thr310= (NM_001349848.2, NM_001349850.2, NM_001349851.2 and 1 more transcripts).
Identifiers: ClinVar variation 786695 (VCV000786695.5), dbSNP rs115446312, ClinGen allele CA10125635.
Genomic context (GRCh38, chr22:21,962,760, plus strand): 5'-TCTGCCCATGAAGGCACAGAGGAGGAAGGCTGGGCCCGTGGTGTGACCTGGTGAGAGGAC[G>A]GTCTTCCCGGAGCAGGTGAAGAGCTCGGGCCCAATTCTGAAGGAGATGGTGCTCTGCAGG-3'
Protein context (NP_001269041.1, residues 436-456): GPELFTCSGK[Thr446=]VLSPGFTEVM

ClinVar aggregate classification (germline): Benign. Review status: criteria provided, single submitter (1 of 4 stars). 2 submissions from 2 submitters: Benign (1). 1 of the submissions does not count toward it. Last evaluated 2018-04-10.

Conditions:
TOP3B-related disorder. Also called: TOP3B-related condition.

Allele frequency attached by ClinVar (database versions not stated): gnomAD exomes 0.00058 and 0.00155; ExAC 0.00172; 1000 Genomes Project 0.00479; 1000 Genomes Project 30x 0.00484; gnomAD 0.00594 and 0.00647; ESP Exome Variant Server 0.00661; TOPMed 0.00692.
gnomAD v4.1: 1,780 of 1,614,152 alleles (0.11%); highest among the groups gnomAD compares: African/African-American, 2.1%; 12 homozygotes.

Submissions (2):

Labcorp Genetics (formerly Invitae), Labcorp
Classification: Benign. Last evaluated: 2018-04-10. Review status: criteria provided, single submitter. Criteria: Invitae Variant Classification Sherloc (09022015). Collection method: clinical testing. Allele origin: germline.

PreventionGenetics, part of Exact Sciences
Classification: Benign for TOP3B-related condition. Last evaluated: 2019-10-01. Review status: no assertion criteria provided. Collection method: clinical testing. Allele origin: germline. Not counted in ClinVar's aggregate classification.
Comment: This variant is classified as benign based on ACMG/AMP sequence variant interpretation guidelines (Richards et al. 2015 PMID: 25741868, with internal and published modifications).